The following is an entry in ClinVar:

ClinVar aggregate classification (germline): Conflicting classifications of pathogenicity. Review status: criteria provided, conflicting classifications (1 of 4 stars). 6 submissions from 6 submitters: Uncertain significance (3); Likely benign (1). 2 of the submissions do not count toward it. Last evaluated 2024-12-02.

Conditions:
Hereditary breast ovarian cancer syndrome. Also called: Hereditary breast and ovarian cancer syndrome; Hereditary breast and ovarian cancer; Hereditary breast and ovarian cancer syndrome (HBOC); Breast and ovarian cancer; Hereditary breast and/or ovarian cancer syndrome; BRCA1- and BRCA2-Associated Hereditary Breast and Ovarian Cancer. Identifiers: Orphanet 145, MedGen C0677776, MeSH D061325, MONDO:0003582. Disease mechanism: loss of function.
Hereditary cancer-predisposing syndrome. Also called: Neoplastic Syndromes, Hereditary; Tumor predisposition; Hereditary Cancer Syndrome; Hereditary neoplastic syndrome. Identifiers: Orphanet 140162, MedGen C0027672, MeSH D009386, MONDO:0015356.
Breast-ovarian cancer, familial, susceptibility to, 2 (BROVCA2). Also called: BRCA2 Hereditary Breast and Ovarian Cancer. Identifiers: Orphanet 145, MedGen C2675520, MONDO:0012933, OMIM 612555. Disease mechanism: loss of function.

Submissions (6):

Ambry Genetics
Classification: Uncertain significance for Hereditary cancer-predisposing syndrome. Last evaluated: 2024-12-02. Review status: criteria provided, single submitter. Criteria: Ambry Variant Classification Scheme 2023. Collection method: clinical testing. Allele origin: germline.
Comment: The p.T933R variant (also known as c.2798C>G), located in coding exon 10 of the BRCA2 gene, results from a C to G substitution at nucleotide position 2798. The threonine at codon 933 is replaced by arginine, an amino acid with similar properties. This variant was reported in 2/60,466 breast cancer cases and in 0/53,461 controls (Dorling et al. N Engl J Med. 2021 02;384:428-439). This amino acid position is poorly conserved in available vertebrate species. In addition, this alteration is predicted to be tolerated by in silico analysis. Since supporting evidence is limited at this time, the clinical significance of this alteration remains unclear.

University of Washington Department of Laboratory Medicine, University of Washington
Classification: Likely benign for Hereditary cancer-predisposing syndrome. Last evaluated: 2023-03-23. Review status: criteria provided, single submitter. Criteria: Dines et al. (Genet Med. 2020). Collection method: curation. Allele origin: germline.
Comment: Missense variant in a coldspot region where missense variants are very unlikely to be pathogenic (PMID:31911673).

BRCA2 exon 11 coldspot. Reclassification based on statistical prior probability.

Labcorp Genetics (formerly Invitae), Labcorp
Classification: Uncertain significance for Hereditary breast ovarian cancer syndrome. Last evaluated: 2021-08-12. Review status: criteria provided, single submitter. Criteria: Invitae Variant Classification Sherloc (09022015). Collection method: clinical testing. Allele origin: germline.
Comment: In summary, the available evidence is currently insufficient to determine the role of this variant in disease. Therefore, it has been classified as a Variant of Uncertain Significance. Algorithms developed to predict the effect of missense changes on protein structure and function output the following: SIFT: "Tolerated"; PolyPhen-2: "Benign"; Align-GVGD: "Class C0". The arginine amino acid residue is found in multiple mammalian species, suggesting that this missense change does not adversely affect protein function. These predictions have not been confirmed by published functional studies and their clinical significance is uncertain. This variant has been reported in individuals in the Breast Cancer Information Core database (PMID: 10923033). ClinVar contains an entry for this variant (Variation ID: 51346). This variant is not present in population databases (ExAC no frequency). This sequence change replaces threonine with arginine at codon 933 of the BRCA2 protein (p.Thr933Arg). The threonine residue is weakly conserved and there is a moderate physicochemical difference between threonine and arginine.

Color Diagnostics, LLC DBA Color Health
Classification: Uncertain significance for Hereditary cancer-predisposing syndrome. Last evaluated: 2019-07-03. Review status: criteria provided, single submitter. Criteria: ACMG Guidelines, 2015. Collection method: clinical testing. Allele origin: germline.
Comment: This missense variant replaces threonine with arginine at codon 933 of the BRCA2 protein. Computational prediction tools and conservation analyses suggest that this variant may not impact the protein function. Computational splicing tools suggest that this variant may not impact RNA splicing. To our knowledge, functional assays have not been performed for this variant nor has this variant been reported in individuals affected with hereditary cancer in the literature. This variant has not been identified in the general population by the Genome Aggregation Database (gnomAD). Available evidence is insufficient to determine the role of this variant in disease conclusively. Therefore, this variant is classified as a Variant of Uncertain Significance.

Breast Cancer Information Core (BIC) (BRCA2)
Classification: Uncertain significance for Breast-ovarian cancer, familial 2. Last evaluated: 2011-10-19. Review status: no assertion criteria provided. Collection method: clinical testing. Allele origin: germline. Affected: yes. Observed: 1 variant allele. Not counted in ClinVar's aggregate classification.

Sharing Clinical Reports Project (SCRP)
Classification: Uncertain significance for Breast-ovarian cancer, familial 2. Last evaluated: 2008-04-07. Review status: no assertion criteria provided. Collection method: clinical testing. Allele origin: germline. Not counted in ClinVar's aggregate classification.

Literature cited by the submitters: PubMed 33471991 (cited by Ambry Genetics); PubMed 10923033 (cited by Labcorp Genetics (formerly Invitae), Labcorp).

NM_000059.4(BRCA2):c.2798C>G (p.Thr933Arg)

Gene: BRCA2 (BRCA2 DNA repair associated; plus strand). Cytogenetic location: 13q13.1.
Variant type: single nucleotide variant.
Coding change: c.2798C>G on transcript NM_000059.4 (MANE Select); coding-DNA position 2798, C replaced by G.
Protein change: p.Thr933Arg; replaces threonine 933 with arginine.
Molecular consequence: missense variant.
Genome position (GRCh38, 1-based): chr13:32,337,153, C>G. VCF-style: chr13-32337153-C-G. GRCh37 (hg19) VCF-style: chr13-32911290-C-G.
Other names: 3026C>G; short protein forms T933R.
Identifiers: ClinVar variation 51346 (VCV000051346.18), dbSNP rs276174830, ClinGen allele CA016389.